The following is an entry in ClinVar:

NM_000540.3(RYR1):c.13486del (p.Glu4496fs)

Gene: RYR1 (ryanodine receptor 1; plus strand). Cytogenetic location: 19q13.2.
Variant type: Deletion.
Coding change: c.13486del on transcript NM_000540.3 (MANE Select); coding-DNA position 13486, one base deleted (G; older notation c.13486delG).
Protein change: p.Glu4496fs; shifts the reading frame from glutamic acid 4496.
Molecular consequence: frameshift variant.
Genome position (GRCh38, 1-based): chr19:38,566,959, G deleted; the last of 2 consecutive G bases (chr19:38,566,958-38,566,959); deleting either gives the same sequence. VCF-style (leftmost placement, unchanged base first): chr19-38566957-CG-C. GRCh37 (hg19) VCF-style: chr19-39057597-CG-C.
Other names: c.13471del, p.Glu4491fs (NM_001042723.2); short protein forms E4496fs, E4491fs.
Identifiers: ClinVar variation 2766921 (VCV002766921.3), dbSNP rs2514689974, ClinGen allele CA2697556517.

ClinVar aggregate classification (germline): Pathogenic (1 of 4 stars; one submission).

Conditions:
RYR1-related disorder. Also called: RYR1-related condition; RYR1-related disorders. Identifiers: MedGen CN239331.

Submission:

Labcorp Genetics (formerly Invitae), Labcorp
Classification: Pathogenic for RYR1-related disorder. Last evaluated: 2023-05-23. Review status: criteria provided, single submitter. Criteria: Invitae Variant Classification Sherloc (09022015). Collection method: clinical testing. Allele origin: germline.
Comment: For these reasons, this variant has been classified as Pathogenic. This variant has not been reported in the literature in individuals affected with RYR1-related conditions. This variant is not present in population databases (gnomAD no frequency). This sequence change creates a premature translational stop signal (p.Glu4496Asnfs*55) in the RYR1 gene. It is expected to result in an absent or disrupted protein product. Loss-of-function variants in RYR1 are known to be pathogenic (PMID: 23919265, 25960145, 28818389, 30611313).

Literature cited by the submitters: PubMed 23919265; PubMed 25960145; PubMed 28818389; PubMed 30611313.